The following is an entry in ClinVar:

ClinVar aggregate classification (germline): Uncertain significance. Review status: criteria provided, multiple submitters, no conflicts (2 of 4 stars). 2 submissions from 2 submitters: Uncertain significance (2). Last evaluated 2025-10-14.

Allele frequency attached by ClinVar (database versions not stated): gnomAD exomes below 0.00001; TOPMed below 0.00001; gnomAD 0.00001.

Submissions (2):

Ambry Genetics
Classification: Uncertain significance. Last evaluated: 2025-10-14. Review status: criteria provided, single submitter. Criteria: Ambry Variant Classification Scheme 2023. Collection method: clinical testing. Allele origin: germline.

Labcorp Genetics (formerly Invitae), Labcorp
Classification: Uncertain significance. Last evaluated: 2021-11-02. Review status: criteria provided, single submitter. Criteria: Invitae Variant Classification Sherloc (09022015). Collection method: clinical testing. Allele origin: germline.
Comment: This variant has not been reported in the literature in individuals affected with CFD-related conditions. This sequence change replaces valine, which is neutral and non-polar, with alanine, which is neutral and non-polar, at codon 78 of the CFD protein (p.Val78Ala). This variant is not present in population databases (gnomAD no frequency). Algorithms developed to predict the effect of missense changes on protein structure and function are either unavailable or do not agree on the potential impact of this missense change (SIFT: "Not Available"; PolyPhen-2: "Possibly Damaging"; Align-GVGD: "Not Available"). In summary, the available evidence is currently insufficient to determine the role of this variant in disease. Therefore, it has been classified as a Variant of Uncertain Significance.

NM_001928.4(CFD):c.233T>C (p.Val78Ala)

Gene: CFD (complement factor D; plus strand). Cytogenetic location: 19p13.3.
Variant type: single nucleotide variant.
Coding change: c.233T>C on transcript NM_001928.4 (MANE Select); coding-DNA position 233, T replaced by C.
Protein change: p.Val78Ala; replaces valine 78 with alanine.
Molecular consequence: missense variant.
Genome position (GRCh38, 1-based): chr19:860,881, T>C. VCF-style: chr19-860881-T-C. GRCh37 (hg19) VCF-style: chr19-860881-T-C.
Other names: c.233T>C (NM_001928.2); c.254T>C, p.Val85Ala (NM_001317335.2); short protein forms V85A, V78A.
Identifiers: ClinVar variation 1470282 (VCV001470282.7), dbSNP rs1464282313, ClinGen allele CA402920901.
Genomic context (GRCh38, chr19:860,881, plus strand): 5'-AGTCGGCTGGCACCGACCGCGGACTCCGTCCGGTCCCCAGGGCCGACGGGAAGGTGCAGG[T>C]TCTCCTGGGCGCGCACTCCCTGTCGCAGCCGGAGCCCTCCAAGCGCCTGTACGACGTGCT-3'
Protein context (NP_001919.2, residues 68-88): LEDAADGKVQ[Val78Ala]LLGAHSLSQP